The following is an entry in ClinVar:

NM_030667.3(PTPRO):c.1327G>A (p.Val443Ile)

Gene: PTPRO (protein tyrosine phosphatase receptor type O; plus strand). Cytogenetic location: 12p12.3.
Variant type: single nucleotide variant.
Coding change: c.1327G>A on transcript NM_030667.3 (MANE Select); coding-DNA position 1327, G replaced by A.
Protein change: p.Val443Ile; replaces valine 443 with isoleucine.
Molecular consequence: missense variant.
Genome position (GRCh38, 1-based): chr12:15,508,630, G>A. VCF-style: chr12-15508630-G-A. GRCh37 (hg19) VCF-style: chr12-15661564-G-A.
Other names: p.Val443Ile; c.1327G>A, p.Val443Ile (NM_002848.4); short protein forms V443I.
Identifiers: ClinVar variation 773660 (VCV000773660.27), dbSNP rs71459181, ClinGen allele CA6466498.

ClinVar aggregate classification (germline): Benign/Likely benign. Review status: criteria provided, multiple submitters, no conflicts (2 of 4 stars). 5 submissions from 5 submitters: Benign (3); Likely benign (2). Last evaluated 2026-01-22.

Allele frequency attached by ClinVar (database versions not stated): 1000 Genomes Project 0.00359; 1000 Genomes Project 30x 0.00359; TOPMed 0.00880; gnomAD 0.00924 and 0.00942; ExAC 0.00964; gnomAD exomes 0.00979 and 0.01270; ESP Exome Variant Server 0.01038.
gnomAD v4.1: 19,912 of 1,614,058 alleles (1.2%); highest among the groups gnomAD compares: Non-Finnish European, 1.4%; 148 homozygotes.

Submissions (5):

Labcorp Genetics (formerly Invitae), Labcorp
Classification: Benign. Last evaluated: 2026-01-22. Review status: criteria provided, single submitter. Criteria: Invitae Variant Classification Sherloc (09022015). Collection method: clinical testing. Allele origin: germline.

GeneDx
Classification: Likely benign. Last evaluated: 2025-04-10. Review status: criteria provided, single submitter. Criteria: GeneDx Variant Classification Process June 2021. Collection method: clinical testing. Allele origin: germline. Affected: yes.
Comment: See Variant Classification Assertion Criteria.

CeGaT Center for Human Genetics Tuebingen
Classification: Benign. Last evaluated: 2025-01-01. Review status: criteria provided, single submitter. Criteria: CeGaT Center For Human Genetics Tuebingen Variant Classification Criteria Version 2. Collection method: clinical testing. Allele origin: germline. Affected: yes. Observed: 2 variant alleles.
Comment: PTPRO: BP4, BS1, BS2

Mayo Clinic Laboratories, Mayo Clinic
Classification: Benign. Last evaluated: 2023-12-21. Review status: criteria provided, single submitter. Criteria: ACMG Guidelines, 2015. Collection method: clinical testing. Allele origin: germline. Observed: 3 variant alleles.
Comment: BS1, BS2, BP4_strong

Breakthrough Genomics
Classification: Likely benign. Review status: criteria provided, single submitter. Criteria: ACMG Guidelines, 2015. Collection method: not provided. Allele origin: germline. Inheritance: Autosomal recessive inheritance. Affected: yes.